The following is an entry in ClinVar:

NM_006766.5(KAT6A):c.2514G>T (p.Met838Ile)

Gene: KAT6A (lysine acetyltransferase 6A; minus strand). Cytogenetic location: 8p11.21.
Variant type: single nucleotide variant.
Coding change: c.2514G>T on transcript NM_006766.5 (MANE Select); coding-DNA position 2514, G replaced by T.
Protein change: p.Met838Ile; replaces methionine 838 with isoleucine.
Molecular consequence: missense variant.
Genome position (GRCh38, 1-based): chr8:41,941,367, C>A on the plus strand (G>T on the coding strand, the complement: KAT6A is on the minus strand). VCF-style: chr8-41941367-C-A. GRCh37 (hg19) VCF-style: chr8-41798885-C-A.
Other names: short protein forms M838I.
Identifiers: ClinVar variation 1792446 (VCV001792446.2), dbSNP rs2486772071, ClinGen allele CA371072256.
Genomic context (GRCh38, chr8:41,941,367, plus strand): 5'-TGCAGGAAGACTATCATGAGGAAGGACTTGTTTGCTCAAACGTGTAGAACTGACTGGAGC[C>A]ATAACTTCTGGTTTCTTTTCACTTTCTACTGAATAAGAATCTTGTTCTTTGTTCTCATGA-3'
Protein context (NP_006757.2, residues 828-848): SVESEKKPEV[Met838Ile]APVSSTRLSK

ClinVar aggregate classification (germline): Uncertain significance (1 of 4 stars; one submission).

Conditions:
Inborn genetic diseases. Identifiers: MedGen C0950123, MeSH D030342.

Submission:

Ambry Genetics
Classification: Uncertain significance for Inborn genetic diseases. Last evaluated: 2018-01-19. Review status: criteria provided, single submitter. Criteria: Ambry Variant Classification Scheme 2023. Collection method: clinical testing. Allele origin: germline.
Comment: The p.M838I variant (also known as c.2514G>T), located in coding exon 14 of the KAT6A gene, results from a G to T substitution at nucleotide position 2514. The methionine at codon 838 is replaced by isoleucine, an amino acid with highly similar properties. This amino acid position is not well conserved in available vertebrate species, and isoleucine is the reference amino acid in other vertebrate species. In addition, this alteration is predicted to be tolerated by in silico analysis. Since supporting evidence is limited at this time, the clinical significance of this alteration remains unclear.